The following is an entry in ClinVar:

NM_001371986.1(UNC80):c.8233C>T (p.Arg2745Trp)

Gene: UNC80 (unc-80 homolog, NALCN channel complex subunit; plus strand). Cytogenetic location: 2q34.
Variant type: single nucleotide variant.
Coding change: c.8233C>T on transcript NM_001371986.1 (MANE Select); coding-DNA position 8233, C replaced by T.
Protein change: p.Arg2745Trp; replaces arginine 2745 with tryptophan.
Molecular consequence: missense variant.
Genome position (GRCh38, 1-based): chr2:209,970,934, C>T. VCF-style: chr2-209970934-C-T. GRCh37 (hg19) VCF-style: chr2-210835658-C-T.
Other names: c.8035C>T, p.Arg2679Trp (NM_032504.2); c.8020C>T, p.Arg2674Trp (NM_182587.4); short protein forms R2679W, R2745W, R2674W.
Identifiers: ClinVar variation 1920804 (VCV001920804.2), dbSNP rs757992558, ClinGen allele CA2083540.
Genomic context (GRCh38, chr2:209,970,934, plus strand): 5'-CCCCTTCTTCATCTCAGCCCTTATCTCTCACCACCTCTGCCCTTCAGCACAGCTGTTGTC[C>T]GGCTTGTAGCATTGCAGATACAGGTGTGACTGCCTTACCTGTTTGTCACGCTCATTAAGT-3'
Protein context (NP_001358915.1, residues 2735-2755): PPLPFSTAVV[Arg2745Trp]LVALQIQALK

ClinVar aggregate classification (germline): Uncertain significance (1 of 4 stars; one submission).

Allele frequency attached by ClinVar (database versions not stated): TOPMed 0.00004; gnomAD exomes 0.00006; gnomAD 0.00009; ExAC 0.00018.
gnomAD v4.1: 89 of 1,551,724 alleles (0.0057%); highest among the groups gnomAD compares: Non-Finnish European, 0.0047%; no homozygotes.

Submission:

Labcorp Genetics (formerly Invitae), Labcorp
Classification: Uncertain significance. Last evaluated: 2022-08-16. Review status: criteria provided, single submitter. Criteria: Invitae Variant Classification Sherloc (09022015). Collection method: clinical testing. Allele origin: germline.
Comment: This sequence change replaces arginine, which is basic and polar, with tryptophan, which is neutral and slightly polar, at codon 2679 of the UNC80 protein (p.Arg2679Trp). This variant is present in population databases (rs757992558, gnomAD 0.08%). This missense change has been observed in individual(s) with clinical features of UNC80-related conditions (PMID: 28191889). Algorithms developed to predict the effect of missense changes on protein structure and function are either unavailable or do not agree on the potential impact of this missense change (SIFT: "Not Available"; PolyPhen-2: "Probably Damaging"; Align-GVGD: "Not Available"). In summary, the available evidence is currently insufficient to determine the role of this variant in disease. Therefore, it has been classified as a Variant of Uncertain Significance.

Literature cited by the submitters: PubMed 28191889.